The following is an entry in ClinVar:

ClinVar aggregate classification (germline): Uncertain significance (1 of 4 stars; one submission).

Conditions:
Atypical hemolytic-uremic syndrome with I factor anomaly. Also called: HEMOLYTIC UREMIC SYNDROME, ATYPICAL, SUSCEPTIBILITY TO, 3; AHUS, SUSCEPTIBILITY TO, 3. Identifiers: Orphanet 2134, MedGen C2752039, MONDO:0013041, OMIM 612923.

gnomAD v4.1: 1 of 1,614,208 alleles (0.000062%); highest among the groups gnomAD compares: South Asian, 0.0011%; no homozygotes.

Submission:

MVZ Medizinische Genetik Mainz
Classification: Uncertain significance for Atypical hemolytic-uremic syndrome with I factor anomaly. Last evaluated: 2026-08-05. Review status: criteria provided, single submitter. Criteria: UK Practice Guidelines For Variant Classification V4 01 2020. Collection method: clinical testing. Allele origin: germline. Inheritance: Autosomal dominant inheritance. Affected: yes. Observed: 1 variant allele.
Comment: ACMG Criteria: PM2_SUP,PP3

NM_000204.5(CFI):c.1681A>G (p.Lys561Glu)

Gene: CFI (complement factor I; minus strand). Cytogenetic location: 4q25.
Variant type: single nucleotide variant.
Coding change: c.1681A>G on transcript NM_000204.5 (MANE Select); coding-DNA position 1681, A replaced by G.
Protein change: p.Lys561Glu; replaces lysine 561 with glutamic acid.
Molecular consequence: missense variant. On other transcripts: 3 prime UTR variant (2), non-coding transcript variant (3), intron variant (7).
Genome position (GRCh38, 1-based): chr4:109,740,964, T>C on the plus strand (A>G on the coding strand, the complement: CFI is on the minus strand). VCF-style: chr4-109740964-T-C. GRCh37 (hg19) VCF-style: chr4-110662120-T-C.
Other names: c.1705A>G, p.Lys569Glu (NM_001318057.2); c.1660A>G, p.Lys554Glu (NM_001331035.2); c.1624A>G, p.Lys542Glu (NM_001375283.1); c.1072A>G, p.Lys358Glu (NM_001375284.1); c.1702A>G, p.Lys568Glu (NM_001440986.1); c.*381A>G (NM_001440989.1, NM_001440991.1); c.1513+1527A>G (NM_001375282.1, NM_001375280.1); c.1534+1527A>G (NM_001375281.1, NM_001375279.1); and 2 more; short protein forms K358E, K542E, K554E, K561E, K568E, K569E.
Identifiers: ClinVar variation 4887039 (VCV004887039.1).
Genomic context (GRCh38, chr4:109,740,964, plus strand): 5'-ACTGAGAAATAAAAGGCCTTCCTACATGGTAGCTAATCCAGTCAAAATAATTGGCCACTT[T>C]GGTGTAAACACCTGGGAACTCTGGTTTTCCACAGTTTTCCCCCCAACTCACAACACCCCA-3'
Protein context (NP_000195.3, residues 551-571): GKPEFPGVYT[Lys561Glu]VANYFDWISY